The following is an entry in ClinVar:

ClinVar aggregate classification (germline): Uncertain significance. Review status: criteria provided, multiple submitters, no conflicts (2 of 4 stars). 2 submissions from 2 submitters: Uncertain significance (2). Last evaluated 2026-03-03.

Conditions:
Inborn genetic diseases. Identifiers: MedGen C0950123, MeSH D030342.
RYR1-related disorder. Also called: RYR1-related disorders; RYR1-related condition. Identifiers: MedGen CN239331.

Submissions (2):

Ambry Genetics
Classification: Uncertain significance for Inborn genetic diseases. Last evaluated: 2026-03-03. Review status: criteria provided, single submitter. Criteria: Ambry Variant Classification Scheme 2023. Collection method: clinical testing. Allele origin: germline.

Labcorp Genetics (formerly Invitae), Labcorp
Classification: Uncertain significance for RYR1-related disorder. Last evaluated: 2024-11-11. Review status: criteria provided, single submitter. Criteria: Invitae Variant Classification Sherloc (09022015). Collection method: clinical testing. Allele origin: germline.
Comment: This sequence change replaces glycine, which is neutral and non-polar, with valine, which is neutral and non-polar, at codon 4281 of the RYR1 protein (p.Gly4281Val). This variant is not present in population databases (gnomAD no frequency). This variant has not been reported in the literature in individuals affected with RYR1-related conditions. Invitae Evidence Modeling of protein sequence and biophysical properties (such as structural, functional, and spatial information, amino acid conservation, physicochemical variation, residue mobility, and thermodynamic stability) indicates that this missense variant is not expected to disrupt RYR1 protein function with a negative predictive value of 95%. In summary, the available evidence is currently insufficient to determine the role of this variant in disease. Therefore, it has been classified as a Variant of Uncertain Significance.

NM_000540.3(RYR1):c.12842G>T (p.Gly4281Val)

Gene: RYR1 (ryanodine receptor 1; plus strand). Cytogenetic location: 19q13.2.
Variant type: single nucleotide variant.
Coding change: c.12842G>T on transcript NM_000540.3 (MANE Select); coding-DNA position 12842, G replaced by T.
Protein change: p.Gly4281Val; replaces glycine 4281 with valine.
Molecular consequence: missense variant.
Genome position (GRCh38, 1-based): chr19:38,565,176, G>T. VCF-style: chr19-38565176-G-T. GRCh37 (hg19) VCF-style: chr19-39055816-G-T.
Other names: c.12827G>T, p.Gly4276Val (NM_001042723.2); short protein forms G4276V, G4281V.
Identifiers: ClinVar variation 3667976 (VCV003667976.3).
Genomic context (GRCh38, chr19:38,565,176, plus strand): 5'-AGGACGAGGGCGCGGGCGCGGCGGAGGCGGGCGCGGAAGGCGCGGAGGAGGGCGCGGCGG[G>T]GCTCGAGGGCACGGCGGCCACGGCGGCGGCGGGGGCGACGGCGCGGGTTGTGGCGGCCGC-3'
Protein context (NP_000531.2, residues 4271-4291): GAEGAEEGAA[Gly4281Val]LEGTAATAAA